The following is an entry in ClinVar:

ClinVar aggregate classification (germline): Likely benign (1 of 4 stars; one submission).

gnomAD v4.1: 85 of 1,613,846 alleles (0.0053%); highest among the groups gnomAD compares: South Asian, 0.038%; no homozygotes.

Submissions (2):

CeGaT Center for Human Genetics Tuebingen
Classification: Likely benign. Last evaluated: 2026-05-01. Review status: criteria provided, single submitter. Criteria: CeGaT Center For Human Genetics Tuebingen Variant Classification Criteria Version 2. Collection method: clinical testing. Allele origin: germline. Affected: yes. Observed: 1 variant allele.
Comment: TMEM63B: BP4, BP7

Dr. Peter K. Rogan Lab, Western University
No classification provided (evidence only). Condition: Lymphoma. Review status: no classification provided. Collection method: in vitro. Allele origin: not applicable. Functional consequence: retained intron. Not counted in ClinVar's aggregate classification.

NM_018426.3(TMEM63B):c.2307G>A (p.Ala769=)

Gene: TMEM63B (transmembrane protein 63B; plus strand). Cytogenetic location: 6p21.1.
Variant type: single nucleotide variant.
Coding change: c.2307G>A on transcript NM_018426.3 (MANE Select); coding-DNA position 2307, G replaced by A.
Protein change: p.Ala769=; no amino-acid change (alanine 769 retained).
Molecular consequence: synonymous variant.
Genome position (GRCh38, 1-based): chr6:44,154,445, G>A. VCF-style: chr6-44154445-G-A. GRCh37 (hg19) VCF-style: chr6-44122182-G-A.
Other names: NC_000006.11:g.44122182G>A; c.2307G>A, p.Ala769= (NM_001318792.1).
Identifiers: ClinVar variation 4328881 (VCV004328881.3).